The following is an entry in ClinVar:

NM_000384.3(APOB):c.11019A>C (p.Lys3673Asn)

Gene: APOB (apolipoprotein B; minus strand). Cytogenetic location: 2p24.1.
Variant type: single nucleotide variant.
Coding change: c.11019A>C on transcript NM_000384.3 (MANE Select); coding-DNA position 11019, A replaced by C.
Protein change: p.Lys3673Asn; replaces lysine 3673 with asparagine.
Molecular consequence: missense variant.
Genome position (GRCh38, 1-based): chr2:21,005,849, T>G on the plus strand (A>C on the coding strand, the complement: APOB is on the minus strand). VCF-style: chr2-21005849-T-G. GRCh37 (hg19) VCF-style: chr2-21228721-T-G.
Other names: short protein forms K3673N.
Identifiers: ClinVar variation 4074413 (VCV004074413.3).

ClinVar aggregate classification (germline): Uncertain significance. Review status: criteria provided, multiple submitters, no conflicts (2 of 4 stars). 2 submissions from 2 submitters: Uncertain significance (2). Last evaluated 2026-09-11.

Conditions:
Cardiovascular phenotype. Identifiers: MedGen CN230736.

gnomAD v4.1: 2 of 1,613,924 alleles (0.00012%); highest among the groups gnomAD compares: Admixed American, 0.0033%; no homozygotes.

Submissions (2):

Ambry Genetics
Classification: Uncertain significance for Cardiovascular phenotype. Last evaluated: 2026-09-11. Review status: criteria provided, single submitter. Criteria: Ambry Variant Classification Scheme 2023. Collection method: clinical testing. Allele origin: germline.
Comment: The p.K3673N variant (also known as c.11019A>C), located in coding exon 26 of the APOB gene, results from an A to C substitution at nucleotide position 11019. The lysine at codon 3673 is replaced by asparagine, an amino acid with similar properties. This amino acid position is conserved. In addition, this alteration is predicted to be tolerated by in silico analysis. Based on the available evidence, the clinical significance of this variant remains unclear.

GeneDx
Classification: Uncertain significance. Last evaluated: 2025-02-04. Review status: criteria provided, single submitter. Criteria: GeneDx Variant Classification Process June 2021. Collection method: clinical testing. Allele origin: germline. Affected: yes.
Comment: Not observed at significant frequency in large population cohorts (gnomAD); In silico analysis supports that this missense variant has a deleterious effect on protein structure/function; Has not been previously published as pathogenic or benign to our knowledge